The following is an entry in ClinVar:

NM_006197.4(PCM1):c.2168A>T (p.Asp723Val)

Gene: PCM1 (pericentriolar material 1; plus strand). Cytogenetic location: 8p22.
Variant type: single nucleotide variant.
Coding change: c.2168A>T on transcript NM_006197.4 (MANE Select); coding-DNA position 2168, A replaced by T.
Protein change: p.Asp723Val; replaces aspartic acid 723 with valine.
Molecular consequence: missense variant. On other transcripts: non-coding transcript variant (1).
Genome position (GRCh38, 1-based): chr8:17,960,141, A>T. VCF-style: chr8-17960141-A-T. GRCh37 (hg19) VCF-style: chr8-17817650-A-T.
Other names: c.2168A>T, p.Asp723Val (NM_001315507.2, NM_001352634.2, NM_001352639.2 and 13 more transcripts); c.2171A>T, p.Asp724Val (NM_001315508.2, NM_001352635.2, NM_001352640.2 and 2 more transcripts); c.2285A>T, p.Asp762Val (NM_001352632.2, NM_001352633.2, NM_001352637.2 and 4 more transcripts); c.2288A>T, p.Asp763Val (NM_001352636.2); short protein forms D723V, D724V, D762V, D763V.
Identifiers: ClinVar variation 3051302 (VCV003051302.2), dbSNP rs150814716, ClinGen allele CA4648977.

ClinVar aggregate classification (germline): Likely benign (0 of 4 stars; one submission).

Conditions:
PCM1-related disorder. Also called: PCM1-related condition.

Allele frequency attached by ClinVar (database versions not stated): 1000 Genomes Project 30x 0.00109; 1000 Genomes Project 0.00140.
gnomAD v4.1: 192 of 1,582,020 alleles (0.012%); highest among the groups gnomAD compares: African/African-American, 0.14%; no homozygotes.

Submission:

PreventionGenetics, part of Exact Sciences
Classification: Likely benign for PCM1-related condition. Last evaluated: 2022-10-27. Review status: no assertion criteria provided. Collection method: clinical testing. Allele origin: germline.
Comment: This variant is classified as likely benign based on ACMG/AMP sequence variant interpretation guidelines (Richards et al. 2015 PMID: 25741868, with internal and published modifications).